The following is an entry in ClinVar:

ClinVar aggregate classification (germline): Likely benign. Review status: criteria provided, multiple submitters, no conflicts (2 of 4 stars). 2 submissions from 2 submitters: Likely benign (2). Last evaluated 2026-01-05.

Allele frequency attached by ClinVar (database versions not stated): ExAC 0.00004; gnomAD 0.00005; TOPMed 0.00005; 1000 Genomes Project 30x 0.00016; 1000 Genomes Project 0.00020.
gnomAD v4.1: 30 of 1,614,014 alleles (0.0019%); highest among the groups gnomAD compares: Admixed American, 0.01%; no homozygotes.

Submissions (2):

Labcorp Genetics (formerly Invitae), Labcorp
Classification: Likely benign. Last evaluated: 2026-01-05. Review status: criteria provided, single submitter. Criteria: Invitae Variant Classification Sherloc (09022015). Collection method: clinical testing. Allele origin: germline.

CeGaT Center for Human Genetics Tuebingen
Classification: Likely benign. Last evaluated: 2024-10-01. Review status: criteria provided, single submitter. Criteria: CeGaT Center For Human Genetics Tuebingen Variant Classification Criteria Version 2. Collection method: clinical testing. Allele origin: germline. Affected: yes. Observed: 1 variant allele.
Comment: HERC1: BP4, BP7

NM_003922.4(HERC1):c.588A>C (p.Ala196=)

Gene: HERC1 (HECT and RLD domain containing E3 ubiquitin protein ligase family member 1; minus strand). Cytogenetic location: 15q22.31.
Variant type: single nucleotide variant.
Coding change: c.588A>C on transcript NM_003922.4 (MANE Select); coding-DNA position 588, A replaced by C.
Protein change: p.Ala196=; no amino-acid change (alanine 196 retained).
Molecular consequence: synonymous variant.
Genome position (GRCh38, 1-based): chr15:63,775,036, T>G on the plus strand (A>C on the coding strand, the complement: HERC1 is on the minus strand). VCF-style: chr15-63775036-T-G. GRCh37 (hg19) VCF-style: chr15-64067235-T-G.
Identifiers: ClinVar variation 1899971 (VCV001899971.19), dbSNP rs185650033, ClinGen allele CA7606635.